The following is an entry in ClinVar:

ClinVar aggregate classification (germline): Uncertain significance (1 of 4 stars; one submission).

Submission:

GeneDx
Classification: Uncertain significance. Last evaluated: 2022-06-13. Review status: criteria provided, single submitter. Criteria: GeneDx Variant Classification Process June 2021. Collection method: clinical testing. Allele origin: germline. Affected: yes.
Comment: Not observed at significant frequency in large population cohorts (gnomAD); In silico analysis supports that this missense variant does not alter protein structure/function; Has not been previously published as pathogenic or benign to our knowledge

NM_004973.4(JARID2):c.824C>T (p.Ser275Phe)

Gene: JARID2 (jumonji and AT-rich interaction domain containing 2; plus strand). Cytogenetic location: 6p22.3.
Variant type: single nucleotide variant.
Coding change: c.824C>T on transcript NM_004973.4 (MANE Select); coding-DNA position 824, C replaced by T.
Protein change: p.Ser275Phe; replaces serine 275 with phenylalanine.
Molecular consequence: missense variant.
Genome position (GRCh38, 1-based): chr6:15,487,460, C>T. VCF-style: chr6-15487460-C-T. GRCh37 (hg19) VCF-style: chr6-15487691-C-T.
Other names: c.308C>T, p.Ser103Phe (NM_001267040.1); short protein forms S103F, S275F.
Identifiers: ClinVar variation 1804451 (VCV001804451.1), dbSNP rs2533000666, ClinGen allele CA362793323.